The following is an entry in ClinVar:

ClinVar aggregate classification (germline): Conflicting classifications of pathogenicity. Review status: criteria provided, conflicting classifications (1 of 4 stars). 4 submissions from 4 submitters: Uncertain significance (3); Likely benign (1). Last evaluated 2025-12-31.

Conditions:
Breast-ovarian cancer, familial, susceptibility to, 2 (BROVCA2). Also called: BRCA2 Hereditary Breast and Ovarian Cancer. Identifiers: Orphanet 145, MedGen C2675520, MONDO:0012933, OMIM 612555. Disease mechanism: loss of function.
Hereditary breast ovarian cancer syndrome. Also called: Hereditary breast and ovarian cancer; Breast and ovarian cancer; BRCA1- and BRCA2-Associated Hereditary Breast and Ovarian Cancer; Hereditary breast and ovarian cancer syndrome (HBOC); Hereditary breast and/or ovarian cancer syndrome; Hereditary breast and ovarian cancer syndrome. Identifiers: Orphanet 145, MedGen C0677776, MeSH D061325, MONDO:0003582. Disease mechanism: loss of function.
Hereditary cancer-predisposing syndrome. Also called: Tumor predisposition; Hereditary neoplastic syndrome; Hereditary Cancer Syndrome; Neoplastic Syndromes, Hereditary. Identifiers: Orphanet 140162, MedGen C0027672, MeSH D009386, MONDO:0015356.

Submissions (4):

Ambry Genetics
Classification: Uncertain significance for Hereditary cancer-predisposing syndrome. Last evaluated: 2025-12-31. Review status: criteria provided, single submitter. Criteria: Ambry Variant Classification Scheme 2023. Collection method: clinical testing. Allele origin: germline.
Comment: The p.S925P variant (also known as c.2773T>C), located in coding exon 10 of the BRCA2 gene, results from a T to C substitution at nucleotide position 2773. The serine at codon 925 is replaced by proline, an amino acid with similar properties. This amino acid position is not well conserved in available vertebrate species. In addition, this alteration is predicted to be tolerated by in silico analysis. Based on the available evidence, the clinical significance of this variant remains unclear.

All of Us Research Program, National Institutes of Health
Classification: Uncertain significance for Breast-ovarian cancer, familial, susceptibility to, 2. Last evaluated: 2023-06-08. Review status: criteria provided, single submitter. Criteria: ACMG Guidelines, 2015. Collection method: clinical testing. Allele origin: germline. Inheritance: Autosomal dominant inheritance. Observed: 1 variant allele, 1 heterozygote.
Comment: This missense variant replaces serine with proline at codon 925 of the BRCA2 protein. Computational prediction suggests that this variant may not impact protein structure and function (internally defined REVEL score threshold <= 0.5, PMID: 27666373). To our knowledge, functional studies have not been reported for this variant. This variant has not been reported in individuals affected with BRCA2-related disorders in the literature. This variant has not been identified in the general population by the Genome Aggregation Database (gnomAD). The available evidence is insufficient to determine the role of this variant in disease conclusively. Therefore, this variant is classified as a Variant of Uncertain Significance.

This study involves interpretation of variants in research participants for the purpose of population health screening. Participant phenotype was not available at the time of variant classification. Additional details can be found in publication PMID: 35346344, PMCID: PMC8962531

University of Washington Department of Laboratory Medicine, University of Washington
Classification: Likely benign for Hereditary cancer-predisposing syndrome. Last evaluated: 2023-03-23. Review status: criteria provided, single submitter. Criteria: Dines et al. (Genet Med. 2020). Collection method: curation. Allele origin: germline.
Comment: Missense variant in a coldspot region where missense variants are very unlikely to be pathogenic (PMID:31911673).

BRCA2 exon 11 coldspot. Reclassification based on statistical prior probability.

Labcorp Genetics (formerly Invitae), Labcorp
Classification: Uncertain significance for Hereditary breast ovarian cancer syndrome. Last evaluated: 2022-06-09. Review status: criteria provided, single submitter. Criteria: Invitae Variant Classification Sherloc (09022015). Collection method: clinical testing. Allele origin: germline.
Comment: In summary, the available evidence is currently insufficient to determine the role of this variant in disease. Therefore, it has been classified as a Variant of Uncertain Significance. Advanced modeling of protein sequence and biophysical properties (such as structural, functional, and spatial information, amino acid conservation, physicochemical variation, residue mobility, and thermodynamic stability) performed at Invitae indicates that this missense variant is not expected to disrupt BRCA2 protein function. ClinVar contains an entry for this variant (Variation ID: 998889). This variant has not been reported in the literature in individuals affected with BRCA2-related conditions. This variant is not present in population databases (gnomAD no frequency). This sequence change replaces serine, which is neutral and polar, with proline, which is neutral and non-polar, at codon 925 of the BRCA2 protein (p.Ser925Pro).

NM_000059.4(BRCA2):c.2773T>C (p.Ser925Pro)

Gene: BRCA2 (BRCA2 DNA repair associated; plus strand). Cytogenetic location: 13q13.1.
Variant type: single nucleotide variant.
Coding change: c.2773T>C on transcript NM_000059.4 (MANE Select); coding-DNA position 2773, T replaced by C.
Protein change: p.Ser925Pro; replaces serine 925 with proline.
Molecular consequence: missense variant.
Genome position (GRCh38, 1-based): chr13:32,337,128, T>C. VCF-style: chr13-32337128-T-C. GRCh37 (hg19) VCF-style: chr13-32911265-T-C.
Other names: c.2773T>C (NM_000059.3); short protein forms S925P.
Identifiers: ClinVar variation 998889 (VCV000998889.12), dbSNP rs2072464474, ClinGen allele CA387773690.